The following is an entry in ClinVar:

ClinVar aggregate classification (germline): Likely benign. Review status: criteria provided, single submitter (1 of 4 stars). 2 submissions from 2 submitters: Likely benign (1). 1 of the submissions does not count toward it. Last evaluated 2026-09-01.

Conditions:
ZFHX3-related disorder. Also called: ZFHX3-related condition.

Submissions (2):

CeGaT Center for Human Genetics Tuebingen
Classification: Likely benign. Last evaluated: 2026-09-01. Review status: criteria provided, single submitter. Criteria: CeGaT Center For Human Genetics Tuebingen Variant Classification Criteria Version 2. Collection method: clinical testing. Allele origin: germline. Affected: yes. Observed: 3 variant alleles.
Comment: ZFHX3: BS2

PreventionGenetics, part of Exact Sciences
Classification: Likely benign for ZFHX3-related condition. Last evaluated: 2023-05-15. Review status: no assertion criteria provided. Collection method: clinical testing. Allele origin: germline. Not counted in ClinVar's aggregate classification.
Comment: This variant is classified as likely benign based on ACMG/AMP sequence variant interpretation guidelines (Richards et al. 2015 PMID: 25741868, with internal and published modifications).

NM_006885.4(ZFHX3):c.10557_10568del (p.Gly3524_Gly3527del)

Genes: ZFHX3 (zinc finger homeobox 3; minus strand), ZFHX3-AS1 (ZFHX3 antisense RNA 1; plus strand). Cytogenetic location: 16q22.2.
Variant type: Deletion.
Coding change: c.10557_10568del on transcript NM_006885.4 (MANE Select); coding-DNA positions 10557 to 10568, 12 bases deleted (TGGCGGCGGCGG).
Protein change: p.Gly3524_Gly3527del.
Genome position (GRCh38, 1-based): chr16:72,787,708-72,787,719, CCGCCGCCGCCA deleted on the plus strand (TGGCGGCGGCGG on the coding strand, the reverse complement: ZFHX3 is on the minus strand); deleting any 12 consecutive bases within chr16:72,787,708-72,787,730 gives the same sequence; the c. name uses the placement nearest the transcript's 3' end. VCF-style (leftmost placement, unchanged base first): chr16-72787707-GCCGCCGCCGCCA-G. GRCh37 (hg19) VCF-style: chr16-72821606-GCCGCCGCCGCCA-G.
Other names: c.7815_7826del, p.Gly2610_Gly2613del (NM_001164766.2); c.10557_10568del, p.Gly3524_Gly3527del (NM_001386735.1).
Identifiers: ClinVar variation 3049870 (VCV003049870.4), dbSNP rs746268093, ClinGen allele CA8162392.